The following is an entry in ClinVar:

NM_021008.4(DEAF1):c.664+2T>A

Gene: DEAF1 (DEAF1 transcription factor; minus strand). Cytogenetic location: 11p15.5.
Variant type: single nucleotide variant.
Coding change: c.664+2T>A on transcript NM_021008.4 (MANE Select); the canonical splice donor site of the intron after coding-DNA position 664, T replaced by A.
Molecular consequence: splice donor variant.
Genome position (GRCh38, 1-based): chr11:687,909, A>T on the plus strand (T>A on the coding strand, the complement: DEAF1 is on the minus strand). VCF-style: chr11-687909-A-T. GRCh37 (hg19) VCF-style: chr11-687909-A-T.
Other names: c.-63+2T>A (NM_001367390.1, NM_001440885.1, NM_001440887.1 and 1 more transcripts); c.664+2T>A (NM_001293634.2, NM_001440884.1, NM_001440883.1).
Identifiers: ClinVar variation 3383244 (VCV003383244.1).

ClinVar aggregate classification (germline): Pathogenic (1 of 4 stars; one submission).

Conditions:
Intellectual disability, autosomal dominant 24 (VSVS). Also called: VULTO-VAN SILFHOUT-DE VRIES SYNDROME. Identifiers: MedGen C4014414, MONDO:0014357, OMIM 615828.

Submission:

MVZ Medizinische Genetik Mainz
Classification: Pathogenic for Intellectual disability, autosomal dominant 24. Last evaluated: 2024-10-23. Review status: criteria provided, single submitter. Criteria: UK Practice Guidelines For Variant Classification V4 01 2020. Collection method: clinical testing. Allele origin: germline. Inheritance: Autosomal dominant inheritance. Affected: yes. Observed: 1 variant allele.
Comment: ACMG Criteria: PVS1,PS1_SUP,PM2_SUP